The following is an entry in ClinVar:

NM_000110.4(DPYD):c.2378C>T (p.Thr793Ile)

Genes: DPYD (dihydropyrimidine dehydrogenase; minus strand), DPYD-AS1 (DPYD antisense RNA 1; plus strand). Cytogenetic location: 1p21.3.
Variant type: single nucleotide variant.
Coding change: c.2378C>T on transcript NM_000110.4 (MANE Select); coding-DNA position 2378, C replaced by T.
Protein change: p.Thr793Ile; replaces threonine 793 with isoleucine.
Molecular consequence: missense variant.
Genome position (GRCh38, 1-based): chr1:97,234,916, G>A on the plus strand (C>T on the coding strand, the complement: DPYD is on the minus strand). VCF-style: chr1-97234916-G-A. GRCh37 (hg19) VCF-style: chr1-97700472-G-A.
Other names: short protein forms T793I.
Identifiers: ClinVar variation 558527 (VCV000558527.6), dbSNP rs547099198, ClinGen allele CA963047.
Genomic context (GRCh38, chr1:97,234,916, plus strand): 5'-AGGACGGAAGCACCACTATGGAGAAACTGAAGACCACTTTCAGCAGAGTCAATTCCACCA[G>A]TAGCCAAAATGGGAAATCCAGGCAGAGCACGAGCAATGGAGGTCACAGCTCTCAAAGCAA-3'
Protein context (NP_000101.2, residues 783-803): RALPGFPILA[Thr793Ile]GGIDSAESGL

ClinVar aggregate classification (germline): Uncertain significance. Review status: criteria provided, multiple submitters, no conflicts (2 of 4 stars). 5 submissions from 5 submitters: Uncertain significance (4). 1 of the submissions does not count toward it. Last evaluated 2023-06-13.

Conditions:
Dihydropyrimidine dehydrogenase deficiency (DPYDD). Also called: DPD DEFICIENCY; DPYD DEFICIENCY; Hereditary Thymine-Uraciluria. Identifiers: Orphanet 1675, MedGen C1959620, MONDO:0010130, OMIM 274270.

Allele frequency attached by ClinVar (database versions not stated): gnomAD 0.00002 and 0.00003; gnomAD exomes 0.00003 and 0.00002; ExAC 0.00003; TOPMed 0.00005.
gnomAD v4.1: 48 of 1,613,936 alleles (0.003%); highest among the groups gnomAD compares: Middle Eastern, 0.016%; 2 homozygotes.

Submissions (5):

GeneDx
Classification: Uncertain significance. Last evaluated: 2023-06-13. Review status: criteria provided, single submitter. Criteria: GeneDx Variant Classification Process June 2021. Collection method: clinical testing. Allele origin: germline. Affected: yes.
Comment: Identified in a cohort of healthy individuals of East African background undergoing screening for DPYD variants with increased risk of adverse reactions to fluoropyrimidine drugs (Elraiyah et al., 2017); Published functional studies demonstrate a damaging effect with reduction of DPYD function (Elraiyah et al, 2017); In silico analysis supports that this missense variant has a deleterious effect on protein structure/function; This variant is associated with the following publications: (PMID: 32707991, 27727460)

Genome-Nilou Lab
Classification: Uncertain significance for Dihydropyrimidine dehydrogenase deficiency. Last evaluated: 2023-04-11. Review status: criteria provided, single submitter. Criteria: ACMG Guidelines, 2015. Collection method: clinical testing. Allele origin: germline. Affected: no.

Women's Health and Genetics/Laboratory Corporation of America, LabCorp
Classification: Uncertain significance. Last evaluated: 2021-07-22. Review status: criteria provided, single submitter. Criteria: LabCorp Variant Classification Summary - May 2015. Collection method: clinical testing. Allele origin: germline.
Comment: Variant summary: DPYD c.2378C>T (p.Thr793Ile) results in a non-conservative amino acid change located in the Dihydroorotate dehydrogenase domain (IPR005720) of the encoded protein sequence. Three of five in-silico tools predict a benign effect of the variant on protein function. The variant allele was found at a frequency of 2.8e-05 in 250994 control chromosomes. c.2378C>T has been reported in the literature as a heterozygous genotype among at-least one healthy volunteer of East African descent (example, Elraiyah_2017). These report(s) do not provide unequivocal conclusions about association of the variant with Dihydropyrimidine Dehydrogenase Deficiency. At least one publication reports experimental evidence evaluating an impact on protein function. The most pronounced variant effect results in 10%-<30% of normal activity in-vitro and the authors note that this may contribute towards sensitivity to 5-fluorouracil in the East African population (example, Elraiyah_2017). One clinical diagnostic laboratory has submitted clinical-significance assessments for this variant to ClinVar after 2014 and classified the variant as uncertain significance citing an overlapping evidence utilized in the context of this evaluation. Based on the evidence outlined above, the variant was classified as VUS-possibly pathogenic.

Breakthrough Genomics
Classification: Uncertain significance. Review status: criteria provided, single submitter. Criteria: ACMG Guidelines, 2015. Collection method: not provided. Allele origin: germline. Inheritance: Autosomal recessive inheritance. Affected: yes.

Counsyl
Classification: Uncertain significance for Dihydropyrimidine dehydrogenase deficiency. Last evaluated: 2018-05-25. Review status: no assertion criteria provided. Collection method: clinical testing. Allele origin: unknown. Not counted in ClinVar's aggregate classification.

Literature cited by the submitters: PubMed 32707991 (cited by Women's Health and Genetics/Laboratory Corporation of America, LabCorp); PubMed 27727460 (cited by Women's Health and Genetics/Laboratory Corporation of America, LabCorp and Counsyl).